The following is an entry in ClinVar:

NM_001985.3(ETFB):c.375+215G>A

Gene: ETFB (electron transfer flavoprotein subunit beta; minus strand). Cytogenetic location: 19q13.41.
Variant type: single nucleotide variant.
Coding change: c.375+215G>A on transcript NM_001985.3 (MANE Select); 215 bases into the intron after coding-DNA position 375, G replaced by A.
Molecular consequence: intron variant.
Genome position (GRCh38, 1-based): chr19:51,352,917, C>T on the plus strand (G>A on the coding strand, the complement: ETFB is on the minus strand). VCF-style: chr19-51352917-C-T. GRCh37 (hg19) VCF-style: chr19-51856171-C-T.
Other names: c.648+215G>A (NM_001014763.1).
Identifiers: ClinVar variation 670511 (VCV000670511.1), dbSNP rs75898079, ClinGen allele CA309736926.

ClinVar aggregate classification (germline): Likely benign (1 of 4 stars; one submission).

Allele frequency attached by ClinVar (database versions not stated): 1000 Genomes Project 0.00659; 1000 Genomes Project 30x 0.00765; gnomAD 0.01116 and 0.01137; TOPMed 0.01217.
gnomAD v4.1: 1,697 of 152,308 alleles (1.1%); highest among the groups gnomAD compares: Non-Finnish European, 1.7%; 12 homozygotes.

Submission:

GeneDx
Classification: Likely benign. Last evaluated: 2018-06-19. Review status: criteria provided, single submitter. Criteria: GeneDx Variant Classification (06012015). Collection method: clinical testing. Allele origin: germline. Affected: yes.
Comment: This variant is considered likely benign or benign based on one or more of the following criteria: it is a conservative change, it occurs at a poorly conserved position in the protein, it is predicted to be benign by multiple in silico algorithms, and/or has population frequency not consistent with disease.